The following is an entry in ClinVar:

GRCh38/hg38 22q12.1(chr22:28696573-28701965)x1

Gene: CHEK2 (checkpoint kinase 2; minus strand). Cytogenetic location: 22q12.1.
Variant type: copy number loss.
Change: copy number 1 (one copy instead of two) of chr22:28,696,573-28,701,965 (5.4 kb, GRCh38 coordinates, 1-based), cytogenetic band 22q12.1.
Identifiers: ClinVar variation 4886819 (VCV004886819.1).

ClinVar aggregate classification (germline): Pathogenic/Likely pathogenic. Review status: no assertion criteria provided (0 of 4 stars). 2 submissions from 1 submitter: Pathogenic (1); Likely pathogenic (1). Last evaluated 2025-03-31.

Conditions:
Familial cancer of breast. Also called: BREAST CANCER, FAMILIAL; Hereditary breast cancer; hereditary breast carcinoma. Identifiers: Orphanet 227535, MedGen C0346153, MONDO:0016419, OMIM 114480. Disease mechanism: loss of function.

Submissions (2):

Diagnostics Centre, Carl Von Ossietzky University Oldenburg
Classification: Likely pathogenic for Familial cancer of breast. Last evaluated: 2025-03-31. Review status: no assertion criteria provided. Collection method: clinical testing. Allele origin: germline. Affected: yes. Observed: 1 variant allele.
Comment: The identified heterozygous deletion in CHEK2 encompasses approximately 5 kb. Exons 9–10 of the CHEK2 gene are completely deleted. This alteration affects a functionally essential portion of the protein, particularly the protein kinase functional domain. ClinVar contains entries for (likely) pathogenic deletions in the same region, both of comparable and smaller sizes (ClinVar ID: 809400, 216099, 981983). This variant has not been observed in the general population (no entry in gnomAD). In summary, this deletion is classified as Pathogenic.

Diagnostics Centre, Carl Von Ossietzky University Oldenburg
Classification: Pathogenic. Last evaluated: 2025-01-29. Review status: no assertion criteria provided. Collection method: clinical testing. Allele origin: germline. Affected: yes. Observed: 1 variant allele.
Comment: The identified alteration is a heterozygous deletion of exons 9 and 10 of the CHEK2 gene on chromosome 22 (22q12.1). The deletion spans approximately 3.7 kb. Several pathogenic deletions of similar position and size have been reported in the context of familial cancer predisposition, including hereditary breast and ovarian cancer (PMID: 17085682). This publication also reported an increased risk for prostate cancer associated with such alterations. In summary, this variant is classified as Pathogenic.

Literature cited by the submitters: PubMed 17085682.